The following is an entry in ClinVar:

ClinVar aggregate classification (germline): Uncertain significance (1 of 4 stars; one submission).

Allele frequency attached by ClinVar (database versions not stated): gnomAD exomes below 0.00001; gnomAD 0.00001; TOPMed 0.00001.
gnomAD v4.1: 2 of 1,614,136 alleles (0.00012%); highest among the groups gnomAD compares: African/African-American, 0.0013%; no homozygotes.

Submission:

Labcorp Genetics (formerly Invitae), Labcorp
Classification: Uncertain significance. Last evaluated: 2023-12-07. Review status: criteria provided, single submitter. Criteria: Invitae Variant Classification Sherloc (09022015). Collection method: clinical testing. Allele origin: germline.
Comment: This sequence change replaces valine, which is neutral and non-polar, with isoleucine, which is neutral and non-polar, at codon 102 of the EFEMP1 protein (p.Val102Ile). This variant is present in population databases (no rsID available, gnomAD 0.007%). This variant has not been reported in the literature in individuals affected with EFEMP1-related conditions. Algorithms developed to predict the effect of missense changes on protein structure and function output the following: SIFT: "Not Available"; PolyPhen-2: "Benign"; Align-GVGD: "Not Available". The isoleucine amino acid residue is found in multiple mammalian species, which suggests that this missense change does not adversely affect protein function. In summary, the available evidence is currently insufficient to determine the role of this variant in disease. Therefore, it has been classified as a Variant of Uncertain Significance.

NM_001039348.3(EFEMP1):c.304G>A (p.Val102Ile)

Gene: EFEMP1 (EGF-like fibulin extracellular matrix protein 1; minus strand). Cytogenetic location: 2p16.1.
Variant type: single nucleotide variant.
Coding change: c.304G>A on transcript NM_001039348.3 (MANE Select); coding-DNA position 304, G replaced by A.
Protein change: p.Val102Ile; replaces valine 102 with isoleucine.
Molecular consequence: missense variant.
Genome position (GRCh38, 1-based): chr2:55,917,878, C>T on the plus strand (G>A on the coding strand, the complement: EFEMP1 is on the minus strand). VCF-style: chr2-55917878-C-T. GRCh37 (hg19) VCF-style: chr2-56145013-C-T.
Other names: c.304G>A, p.Val102Ile (NM_001039349.3); short protein forms V102I.
Identifiers: ClinVar variation 2834885 (VCV002834885.3), dbSNP rs1187550373, ClinGen allele CA347026744.